The following is an entry in ClinVar:

NM_000090.4(COL3A1):c.1510-8C>A

Genes: MIR3606 (microRNA 3606; plus strand), COL3A1 (collagen type III alpha 1 chain; plus strand). Cytogenetic location: 2q32.2.
Variant type: single nucleotide variant.
Coding change: c.1510-8C>A on transcript NM_000090.4 (MANE Select); 8 bases into the intron before coding-DNA position 1510, C replaced by A.
Molecular consequence: intron variant. On other transcripts: non-coding transcript variant (1).
Genome position (GRCh38, 1-based): chr2:188,995,684, C>A. VCF-style: chr2-188995684-C-A. GRCh37 (hg19) VCF-style: chr2-189860410-C-A.
Identifiers: ClinVar variation 495540 (VCV000495540.2), dbSNP rs982619356, ClinGen allele CA62596847.
Genomic context (GRCh38, chr2:188,995,684, plus strand): 5'-AAAATATTGTTGCTATCTAGGTTAGTGAAGGCTATTTTAATTTTTTTAAAATTTCTTTCA[C>A]TACTTAGGGTCCTGCTGGAGAGCGTGGTGCTCCAGGCCCTGCAGGGCCCAGAGGAGCTGC-3'

ClinVar aggregate classification (germline): Conflicting classifications of pathogenicity. Review status: criteria provided, conflicting classifications (1 of 4 stars). 2 submissions from 2 submitters: Uncertain significance (1); Likely benign (1). Last evaluated 2026-01-25.

Conditions:
Ehlers-Danlos syndrome, type 4 (EDSVASC). Also called: Ehlers-Danlos syndrome vascular type; Ehlers Danlos syndrome, ecchymotic type; Ehlers Danlos syndrome, arterial type; Ehlers Danlos syndrome, Sack-Barabas type; Ehlers-Danlos Syndrome Type IV. Identifiers: Orphanet 286, MedGen C0268338, MONDO:0017314, OMIM 130050.

Allele frequency attached by ClinVar (database versions not stated): gnomAD 0.00005; TOPMed 0.00005.
gnomAD v4.1: 8 of 1,547,066 alleles (0.00052%); highest among the groups gnomAD compares: African/African-American, 0.011%; no homozygotes.

Submissions (2):

Labcorp Genetics (formerly Invitae), Labcorp
Classification: Likely benign for Ehlers-Danlos syndrome, type 4. Last evaluated: 2026-01-25. Review status: criteria provided, single submitter. Criteria: Invitae Variant Classification Sherloc (09022015). Collection method: clinical testing. Allele origin: germline.

Women's Health and Genetics/Laboratory Corporation of America, LabCorp
Classification: Uncertain significance. Last evaluated: 2016-08-01. Review status: criteria provided, single submitter. Criteria: LabCorp Variant Classification Summary - May 2015. Collection method: clinical testing. Allele origin: germline.
Comment: Variant summary: The COL3A1 c.1510-8C>A variant involves the alteration of a non-conserved intronic nucleotide. One in silico tool predicts a damaging outcome for this variant. 5/5 splice prediction tools predict a relatively small impact on normal splicing. However, these predictions have yet to be confirmed by functional studies. This variant is absent in 16978 control chromosomes. The variant of interest has not, to our knowledge, been reported in affected individuals via publications and/or reputable databases/clinical diagnostic laboratories; nor evaluated for functional impact by in vivo/vitro studies. Because of the absence of clinical information and the lack of functional studies, the variant was classified as a variant of uncertain significance (VUS) until additional information becomes available.